The following is an entry in ClinVar:

ClinVar aggregate classification (germline): Uncertain significance (1 of 4 stars; one submission).

Conditions:
Severe combined immunodeficiency due to IKK2 deficiency. Also called: IMMUNODEFICIENCY 15B; Immunodeficiency 15. Identifiers: Orphanet 397787, MedGen C4747743, MONDO:0014267, OMIM 615592.

Allele frequency attached by ClinVar (database versions not stated): TOPMed below 0.00001; gnomAD exomes 0.00001; gnomAD 0.00003.
gnomAD v4.1: 19 of 1,614,058 alleles (0.0012%); highest among the groups gnomAD compares: Non-Finnish European, 0.00059%; no homozygotes.

Submission:

Labcorp Genetics (formerly Invitae), Labcorp
Classification: Uncertain significance for Severe combined immunodeficiency due to IKK2 deficiency. Last evaluated: 2025-10-21. Review status: criteria provided, single submitter. Criteria: Invitae Variant Classification Sherloc (09022015). Collection method: clinical testing. Allele origin: germline.
Comment: This sequence change replaces arginine, which is basic and polar, with cysteine, which is neutral and slightly polar, at codon 666 of the IKBKB protein (p.Arg666Cys). This variant is present in population databases (rs200511641, gnomAD 0.008%). This variant has not been reported in the literature in individuals affected with IKBKB-related conditions. ClinVar contains an entry for this variant (Variation ID: 1473978). Invitae Evidence Modeling of protein sequence and biophysical properties (such as structural, functional, and spatial information, amino acid conservation, physicochemical variation, residue mobility, and thermodynamic stability) indicates that this missense variant is not expected to disrupt IKBKB protein function with a negative predictive value of 95%. In summary, the available evidence is currently insufficient to determine the role of this variant in disease. Therefore, it has been classified as a Variant of Uncertain Significance.

NM_001556.3(IKBKB):c.1996C>T (p.Arg666Cys)

Gene: IKBKB (inhibitor of nuclear factor kappa B kinase subunit beta; plus strand). Cytogenetic location: 8p11.21.
Variant type: single nucleotide variant.
Coding change: c.1996C>T on transcript NM_001556.3 (MANE Select); coding-DNA position 1996, C replaced by T.
Protein change: p.Arg666Cys; replaces arginine 666 with cysteine.
Molecular consequence: missense variant. On other transcripts: non-coding transcript variant (3).
Genome position (GRCh38, 1-based): chr8:42,325,979, C>T. VCF-style: chr8-42325979-C-T. GRCh37 (hg19) VCF-style: chr8-42183497-C-T.
Other names: c.1804C>T, p.Arg602Cys (NM_001190720.3); c.1819C>T, p.Arg607Cys (NM_001242778.2); short protein forms R666C, R607C, R602C.
Identifiers: ClinVar variation 1473978 (VCV001473978.9), dbSNP rs200511641, ClinGen allele CA175976144.